The following is an entry in ClinVar:

NM_001370259.2(MEN1):c.194C>T (p.Pro65Leu)

Gene: MEN1 (menin 1; minus strand). Cytogenetic location: 11q13.1.
Variant type: single nucleotide variant.
Coding change: c.194C>T on transcript NM_001370259.2 (MANE Select); coding-DNA position 194, C replaced by T.
Protein change: p.Pro65Leu; replaces proline 65 with leucine.
Molecular consequence: missense variant.
Genome position (GRCh38, 1-based): chr11:64,809,916, G>A on the plus strand (C>T on the coding strand, the complement: MEN1 is on the minus strand). VCF-style: chr11-64809916-G-A. GRCh37 (hg19) VCF-style: chr11-64577388-G-A.
Other names: c.194C>T, p.Pro65Leu (NM_000244.4, NM_001370251.2, NM_001370260.2 and 20 more transcripts); short protein forms P65L.
Identifiers: ClinVar variation 1783193 (VCV001783193.2), dbSNP rs1114167484, ClinGen allele CA381187670.

ClinVar aggregate classification (germline): Uncertain significance (1 of 4 stars; one submission).

Conditions:
Hereditary cancer-predisposing syndrome. Also called: Neoplastic Syndromes, Hereditary; Tumor predisposition; Hereditary Cancer Syndrome; Hereditary neoplastic syndrome. Identifiers: Orphanet 140162, MedGen C0027672, MeSH D009386, MONDO:0015356.

Submission:

Ambry Genetics
Classification: Uncertain significance for Hereditary cancer-predisposing syndrome. Last evaluated: 2022-03-01. Review status: criteria provided, single submitter. Criteria: Ambry Variant Classification Scheme 2023. Collection method: clinical testing. Allele origin: germline.
Comment: The p.P65L variant (also known as c.194C>T), located in coding exon 1 of the MEN1 gene, results from a C to T substitution at nucleotide position 194. The proline at codon 65 is replaced by leucine, an amino acid with similar properties. This amino acid position is conserved. In addition, the in silico prediction for this alteration is inconclusive. Since supporting evidence is limited at this time, the clinical significance of this alteration remains unclear.